The following is an entry in ClinVar:

ClinVar aggregate classification (germline): Uncertain significance (1 of 4 stars; one submission).

Conditions:
Familial focal epilepsy with variable foci (FPEVF). Identifiers: Orphanet 98820, MedGen C1858477, MONDO:0020310.

Allele frequency attached by ClinVar (database versions not stated): TOPMed 0.00001.

Submission:

Labcorp Genetics (formerly Invitae), Labcorp
Classification: Uncertain significance for Familial focal epilepsy with variable foci. Last evaluated: 2023-06-05. Review status: criteria provided, single submitter. Criteria: Invitae Variant Classification Sherloc (09022015). Collection method: clinical testing. Allele origin: germline.
Comment: In summary, the available evidence is currently insufficient to determine the role of this variant in disease. Therefore, it has been classified as a Variant of Uncertain Significance. Experimental studies and prediction algorithms are not available or were not evaluated, and the functional significance of this variant is currently unknown. This variant has not been reported in the literature in individuals affected with DEPDC5-related conditions. This variant is not present in population databases (gnomAD no frequency). This sequence change replaces isoleucine, which is neutral and non-polar, with methionine, which is neutral and non-polar, at codon 1148 of the DEPDC5 protein (p.Ile1148Met).

NM_001242896.3(DEPDC5):c.3444A>G (p.Ile1148Met)

Gene: DEPDC5 (DEP domain containing 5, GATOR1 subcomplex subunit; plus strand). Cytogenetic location: 22q12.3.
Variant type: single nucleotide variant.
Coding change: c.3444A>G on transcript NM_001242896.3 (MANE Select); coding-DNA position 3444, A replaced by G.
Protein change: p.Ile1148Met; replaces isoleucine 1148 with methionine.
Molecular consequence: missense variant. On other transcripts: non-coding transcript variant (5).
Genome position (GRCh38, 1-based): chr22:31,870,703, A>G. VCF-style: chr22-31870703-A-G. GRCh37 (hg19) VCF-style: chr22-32266689-A-G.
Other names: c.3417A>G, p.Ile1139Met (NM_001136029.4); c.3144A>G, p.Ile1048Met (NM_001242897.2); c.3378A>G, p.Ile1126Met (NM_001363852.2, NM_001364320.2); c.3210A>G, p.Ile1070Met (NM_001363854.2, NM_001364319.2); c.3444A>G, p.Ile1148Met (NM_001364318.2); c.3360A>G, p.Ile1120Met (NM_001369901.1, NM_001369902.1); c.3351A>G, p.Ile1117Met (NM_001369903.1, NM_014662.6); short protein forms I1126M, I1148M, I1048M, I1139M, I1070M, I1117M, I1120M.
Identifiers: ClinVar variation 2844035 (VCV002844035.3), dbSNP rs1302758120, ClinGen allele CA411296816.